The following is an entry in ClinVar:

ClinVar aggregate classification (germline): Pathogenic (1 of 4 stars; one submission).

Allele frequency attached by ClinVar (database versions not stated): gnomAD 0.00001; ExAC 0.00001; TOPMed 0.00002; gnomAD exomes below 0.00001.
gnomAD v4.1: 4 of 1,613,826 alleles (0.00025%); highest among the groups gnomAD compares: Admixed American, 0.0017%; no homozygotes.

Submission:

Labcorp Genetics (formerly Invitae), Labcorp
Classification: Pathogenic. Last evaluated: 2025-10-01. Review status: criteria provided, single submitter. Criteria: Invitae Variant Classification Sherloc (09022015). Collection method: clinical testing. Allele origin: germline.
Comment: This sequence change replaces tyrosine, which is neutral and polar, with cysteine, which is neutral and slightly polar, at codon 321 of the TULP1 protein (p.Tyr321Cys). This variant is present in population databases (rs774837301, gnomAD 0.003%). This missense change has been observed in individual(s) with retinitis pigmentosa (internal data). In at least one individual the data is consistent with being in trans (on the opposite chromosome) from a pathogenic variant. ClinVar contains an entry for this variant (Variation ID: 2975211). Invitae Evidence Modeling of protein sequence and biophysical properties (such as structural, functional, and spatial information, amino acid conservation, physicochemical variation, residue mobility, and thermodynamic stability) indicates that this missense variant is expected to disrupt TULP1 protein function with a positive predictive value of 95%. This variant disrupts the p.Tyr321 amino acid residue in TULP1. Other variant(s) that disrupt this residue have been determined to be pathogenic (PMID: 23847139). This suggests that this residue is clinically significant, and that variants that disrupt this residue are likely to be disease-causing. For these reasons, this variant has been classified as Pathogenic.

Literature cited by the submitters: PubMed 23847139.

NM_003322.6(TULP1):c.962A>G (p.Tyr321Cys)

Gene: TULP1 (TUB like protein 1; minus strand). Cytogenetic location: 6p21.31.
Variant type: single nucleotide variant.
Coding change: c.962A>G on transcript NM_003322.6 (MANE Select); coding-DNA position 962, A replaced by G.
Protein change: p.Tyr321Cys; replaces tyrosine 321 with cysteine.
Molecular consequence: missense variant.
Genome position (GRCh38, 1-based): chr6:35,506,040, T>C on the plus strand (A>G on the coding strand, the complement: TULP1 is on the minus strand). VCF-style: chr6-35506040-T-C. GRCh37 (hg19) VCF-style: chr6-35473817-T-C.
Other names: c.803A>G, p.Tyr268Cys (NM_001289395.2); short protein forms Y268C, Y321C.
Identifiers: ClinVar variation 2975211 (VCV002975211.3), dbSNP rs774837301, ClinGen allele CA3772738.
Genomic context (GRCh38, chr6:35,506,040, plus strand): 5'-CTCTGCTGCCTCTCCCCACCCACCTTCTTCTCCGTGTCCAGGTGCAGGAAGTAGGAGGGA[T>C]ACATGCCTCGATCCATGCCCTTTTTGTCCCGGGTCAGCCGGCAGCGCACCGTGCGGCCCT-3'
Protein context (NP_003313.3, residues 311-331): RDKKGMDRGM[Tyr321Cys]PSYFLHLDTE